The following is an entry in ClinVar:

ClinVar aggregate classification (germline): Uncertain significance (1 of 4 stars; one submission).

Conditions:
Hereditary cancer-predisposing syndrome. Also called: Neoplastic Syndromes, Hereditary; Tumor predisposition; Hereditary Cancer Syndrome; Hereditary neoplastic syndrome. Identifiers: Orphanet 140162, MedGen C0027672, MeSH D009386, MONDO:0015356.

Submission:

Ambry Genetics
Classification: Uncertain significance for Hereditary cancer-predisposing syndrome. Last evaluated: 2022-08-22. Review status: criteria provided, single submitter. Criteria: Ambry Variant Classification Scheme 2023. Collection method: clinical testing. Allele origin: germline.
Comment: The p.D530N variant (also known as c.1588G>A), located in coding exon 4 of the MSH6 gene, results from a G to A substitution at nucleotide position 1588. The aspartic acid at codon 530 is replaced by asparagine, an amino acid with highly similar properties. This amino acid position is conserved. In addition, this alteration is predicted to be tolerated by in silico analysis. Since supporting evidence is limited at this time, the clinical significance of this alteration remains unclear.

NM_000179.3(MSH6):c.1588G>A (p.Asp530Asn)

Gene: MSH6 (mutS homolog 6; plus strand). Cytogenetic location: 2p16.3.
Variant type: single nucleotide variant.
Coding change: c.1588G>A on transcript NM_000179.3 (MANE Select); coding-DNA position 1588, G replaced by A.
Protein change: p.Asp530Asn; replaces aspartic acid 530 with asparagine.
Molecular consequence: missense variant.
Genome position (GRCh38, 1-based): chr2:47,799,571, G>A. VCF-style: chr2-47799571-G-A. GRCh37 (hg19) VCF-style: chr2-48026710-G-A.
Other names: c.1291G>A, p.Asp431Asn (NM_001406797.1, NM_001406801.1, NM_001406805.1 and 10 more transcripts); c.1588G>A, p.Asp530Asn (NM_001406798.1, NM_001406800.1, NM_001406803.1 and 4 more transcripts); c.1063G>A, p.Asp355Asn (NM_001406799.1, NM_001406806.1, NM_001406807.1); c.1684G>A, p.Asp562Asn (NM_001406802.1, NM_001406795.1); c.1510G>A, p.Asp504Asn (NM_001406804.1); c.682G>A, p.Asp228Asn (NM_001406811.1, NM_001406812.1, NM_001406814.1 and 6 more transcripts); c.1594G>A, p.Asp532Asn (NM_001406813.1); c.1420G>A, p.Asp474Asn (NM_001406826.1); and 1 more; short protein forms D228N, D355N, D504N, D532N, D400N, D474N, D562N, D431N.
Identifiers: ClinVar variation 1775852 (VCV001775852.2), dbSNP rs2104353517, ClinGen allele CA346746888.